The following is an entry in ClinVar:

NM_001377229.1(DISP1):c.3233G>A (p.Arg1078His)

Gene: DISP1 (dispatched RND transporter family member 1; plus strand). Cytogenetic location: 1q41.
Variant type: single nucleotide variant.
Coding change: c.3233G>A on transcript NM_001377229.1 (MANE Select); coding-DNA position 3233, G replaced by A.
Protein change: p.Arg1078His; replaces arginine 1078 with histidine.
Molecular consequence: missense variant.
Genome position (GRCh38, 1-based): chr1:223,004,630, G>A. VCF-style: chr1-223004630-G-A. GRCh37 (hg19) VCF-style: chr1-223177972-G-A.
Other names: c.2504G>A, p.Arg835His (NM_001350630.2); c.3233G>A, p.Arg1078His (NM_001369594.1, NM_001377228.1, NM_032890.5); short protein forms R835H, R1078H.
Identifiers: ClinVar variation 1353082 (VCV001353082.6), dbSNP rs150111973, ClinGen allele CA1409373.

ClinVar aggregate classification (germline): Uncertain significance (1 of 4 stars; one submission).

Allele frequency attached by ClinVar (database versions not stated): gnomAD exomes 0.00038 and 0.00030; 1000 Genomes Project 0.00040; gnomAD 0.00040 and 0.00038; ExAC 0.00025; TOPMed 0.00025; 1000 Genomes Project 30x 0.00031; ESP Exome Variant Server 0.00038.
gnomAD v4.1: 608 of 1,613,926 alleles (0.038%); highest among the groups gnomAD compares: South Asian, 0.049%; no homozygotes.

Submission:

Labcorp Genetics (formerly Invitae), Labcorp
Classification: Uncertain significance. Last evaluated: 2025-02-24. Review status: criteria provided, single submitter. Criteria: Invitae Variant Classification Sherloc (09022015). Collection method: clinical testing. Allele origin: germline.
Comment: This sequence change replaces arginine, which is basic and polar, with histidine, which is basic and polar, at codon 1078 of the DISP1 protein (p.Arg1078His). This variant is present in population databases (rs150111973, gnomAD 0.1%). This variant has not been reported in the literature in individuals affected with DISP1-related conditions. ClinVar contains an entry for this variant (Variation ID: 1353082). An algorithm developed to predict the effect of missense changes on protein structure and function (PolyPhen-2) suggests that this variant is likely to be disruptive. In summary, the available evidence is currently insufficient to determine the role of this variant in disease. Therefore, it has been classified as a Variant of Uncertain Significance.